The following is an entry in ClinVar:

NM_025144.4(ALPK1):c.3503T>G (p.Phe1168Cys)

Gene: ALPK1 (alpha kinase 1; plus strand). Cytogenetic location: 4q25.
Variant type: single nucleotide variant.
Coding change: c.3503T>G on transcript NM_025144.4 (MANE Select); coding-DNA position 3503, T replaced by G.
Protein change: p.Phe1168Cys; replaces phenylalanine 1168 with cysteine.
Molecular consequence: missense variant.
Genome position (GRCh38, 1-based): chr4:112,439,837, T>G. VCF-style: chr4-112439837-T-G. GRCh37 (hg19) VCF-style: chr4-113360993-T-G.
Other names: c.3503T>G, p.Phe1168Cys (NM_001102406.2); c.3269T>G, p.Phe1090Cys (NM_001253884.2); short protein forms F1090C, F1168C.
Identifiers: ClinVar variation 4276860 (VCV004276860.2).

ClinVar aggregate classification (germline): Uncertain significance. Review status: criteria provided, multiple submitters, no conflicts (2 of 4 stars). 2 submissions from 2 submitters: Uncertain significance (2). Last evaluated 2025-09-29.

Conditions:
Inborn genetic diseases. Identifiers: MedGen C0950123, MeSH D030342.

gnomAD v4.1: 11 of 1,610,864 alleles (0.00068%); highest among the groups gnomAD compares: Non-Finnish European, 0.00093%; no homozygotes.

Submissions (2):

Labcorp Genetics (formerly Invitae), Labcorp
Classification: Uncertain significance. Last evaluated: 2025-09-29. Review status: criteria provided, single submitter. Criteria: Invitae Variant Classification Sherloc (09022015). Collection method: clinical testing. Allele origin: germline.
Comment: This sequence change replaces phenylalanine, which is neutral and non-polar, with cysteine, which is neutral and slightly polar, at codon 1168 of the ALPK1 protein (p.Phe1168Cys). This variant is present in population databases (no rsID available, gnomAD 0.0009%). This variant has not been reported in the literature in individuals affected with ALPK1-related conditions. An algorithm developed to predict the effect of missense changes on protein structure and function (PolyPhen-2) suggests that this variant is likely to be disruptive. In summary, the available evidence is currently insufficient to determine the role of this variant in disease. Therefore, it has been classified as a Variant of Uncertain Significance.

Ambry Genetics
Classification: Uncertain significance for Inborn genetic diseases. Last evaluated: 2025-08-13. Review status: criteria provided, single submitter. Criteria: Ambry Variant Classification Scheme 2023. Collection method: clinical testing. Allele origin: germline.